The following is an entry in ClinVar:

Single allele

Gene: ANK2 (ankyrin 2; plus strand). Cytogenetic location: 4q25-26.
Variant type: Duplication.
Identifiers: ClinVar variation 236354 (VCV000236354.1).

ClinVar aggregate classification (germline): Uncertain significance (1 of 4 stars; one submission).

Conditions:
Autism spectrum disorder. Also called: Autism spectrum disorders. Identifiers: MedGen C1510586, MeSH D000067877, MONDO:0005258.

Submission:

Geschwind lab, University of California Los Angeles
Classification: Uncertain significance for Autism spectrum disorder. Last evaluated: 2015-10-12. Review status: criteria provided, single submitter. Criteria: ACMG CNV Guidelines 2011. Collection method: research. Allele origin: de novo. Affected: no. Observed: 1 variant allele.

Literature cited by the submitters: PubMed 27569545.